The following is an entry in ClinVar:

NM_001572.5(IRF7):c.848-2A>C

Gene: IRF7 (interferon regulatory factor 7; minus strand). Cytogenetic location: 11p15.5.
Variant type: single nucleotide variant.
Coding change: c.848-2A>C on transcript NM_001572.5 (MANE Select); the canonical splice acceptor site of the intron before coding-DNA position 848, A replaced by C.
Molecular consequence: splice acceptor variant.
Genome position (GRCh38, 1-based): chr11:613,597, T>G on the plus strand (A>C on the coding strand, the complement: IRF7 is on the minus strand). VCF-style: chr11-613597-T-G. GRCh37 (hg19) VCF-style: chr11-613597-T-G.
Other names: c.761-2A>C (NM_004029.4); c.887-2A>C (NM_004031.4).
Identifiers: ClinVar variation 1983773 (VCV001983773.5), dbSNP rs766015923, ClinGen allele CA5783657.

ClinVar aggregate classification (germline): Uncertain significance (1 of 4 stars; one submission).

Conditions:
Immunodeficiency 39 (IMD39). Identifiers: Orphanet 574918, MedGen C4225358, MONDO:0014597, OMIM 616345.

Allele frequency attached by ClinVar (database versions not stated): TOPMed below 0.00001; ExAC 0.00001.
gnomAD v4.1: 29 of 1,502,696 alleles (0.0019%); highest among the groups gnomAD compares: Non-Finnish European, 0.0026%; no homozygotes.

Submissions (2):

Labcorp Genetics (formerly Invitae), Labcorp
Classification: Uncertain significance for Immunodeficiency 39. Last evaluated: 2024-05-02. Review status: criteria provided, single submitter. Criteria: Invitae Variant Classification Sherloc (09022015). Collection method: clinical testing. Allele origin: germline.
Comment: This sequence change affects an acceptor splice site in intron 6 of the IRF7 gene. It is expected to disrupt RNA splicing. Variants that disrupt the donor or acceptor splice site typically lead to a loss of protein function (PMID: 16199547), however the current clinical and genetic evidence is not sufficient to establish whether loss-of-function variants in IRF7 cause disease. This variant is present in population databases (rs766015923, gnomAD 0.001%). This variant has not been reported in the literature in individuals affected with IRF7-related conditions. ClinVar contains an entry for this variant (Variation ID: 1983773). Algorithms developed to predict the effect of sequence changes on RNA splicing suggest that this variant may disrupt the consensus splice site. In summary, the available evidence is currently insufficient to determine the role of this variant in disease. Therefore, it has been classified as a Variant of Uncertain Significance.

Dr. Peter K. Rogan Lab, Western University
No classification provided (evidence only). Condition: Lung cancer. Review status: no classification provided. Collection method: in vitro. Allele origin: not applicable. Functional consequence: retained intron. Not counted in ClinVar's aggregate classification.

Literature cited by the submitters: PubMed 16199547 (cited by Labcorp Genetics (formerly Invitae), Labcorp).